The following is an entry in ClinVar:

ClinVar aggregate classification (germline): Uncertain significance (1 of 4 stars; one submission).

Submission:

Labcorp Genetics (formerly Invitae), Labcorp
Classification: Uncertain significance. Last evaluated: 2024-05-20. Review status: criteria provided, single submitter. Criteria: Invitae Variant Classification Sherloc (09022015). Collection method: clinical testing. Allele origin: germline.
Comment: This sequence change replaces glutamic acid, which is acidic and polar, with lysine, which is basic and polar, at codon 95 of the SMARCB1 protein (p.Glu95Lys). This variant is not present in population databases (gnomAD no frequency). This variant has not been reported in the literature in individuals affected with SMARCB1-related conditions. ClinVar contains an entry for this variant (Variation ID: 1368371). Advanced modeling of protein sequence and biophysical properties (such as structural, functional, and spatial information, amino acid conservation, physicochemical variation, residue mobility, and thermodynamic stability) performed at Invitae indicates that this missense variant is expected to disrupt SMARCB1 protein function with a positive predictive value of 80%. In summary, the available evidence is currently insufficient to determine the role of this variant in disease. Therefore, it has been classified as a Variant of Uncertain Significance.

NM_003073.5(SMARCB1):c.283G>A (p.Glu95Lys)

Gene: SMARCB1 (SWI/SNF related BAF chromatin remodeling complex subunit B1; plus strand). Cytogenetic location: 22q11.23.
Variant type: single nucleotide variant.
Coding change: c.283G>A on transcript NM_003073.5 (MANE Select); coding-DNA position 283, G replaced by A.
Protein change: p.Glu95Lys; replaces glutamic acid 95 with lysine.
Molecular consequence: missense variant.
Genome position (GRCh38, 1-based): chr22:23,793,609, G>A. VCF-style: chr22-23793609-G-A. GRCh37 (hg19) VCF-style: chr22-24135796-G-A.
Other names: c.256G>A, p.Glu86Lys (NM_001007468.3, NM_001317946.2); c.283G>A, p.Glu95Lys (NM_001362877.2); short protein forms E86K, E95K.
Identifiers: ClinVar variation 1368371 (VCV001368371.8), dbSNP rs2145963960, ClinGen allele CA410933745.